The following is an entry in ClinVar:

NM_024577.4(SH3TC2):c.2492G>A (p.Ser831Asn)

Gene: SH3TC2 (SH3 domain and tetratricopeptide repeats 2; minus strand). Cytogenetic location: 5q32.
Variant type: single nucleotide variant.
Coding change: c.2492G>A on transcript NM_024577.4 (MANE Select); coding-DNA position 2492, G replaced by A.
Protein change: p.Ser831Asn; replaces serine 831 with asparagine.
Molecular consequence: missense variant.
Genome position (GRCh38, 1-based): chr5:149,027,240, C>T on the plus strand (G>A on the coding strand, the complement: SH3TC2 is on the minus strand). VCF-style: chr5-149027240-C-T. GRCh37 (hg19) VCF-style: chr5-148406803-C-T.
Other names: short protein forms S831N.
Identifiers: ClinVar variation 476898 (VCV000476898.22), dbSNP rs375034766, ClinGen allele CA3498985.
Genomic context (GRCh38, chr5:149,027,240, plus strand): 5'-CGGCCTTCACCTTGGAGTGCAAGTCCCAGGAGGTTATAGATGACTCCCCTTTGAGTGAGA[C>T]TCTCTGTCTCCTTCAGGGAGCATAGCAGTGGCTCAAGCACATCCAAAGCCTTCTTGGCCT-3'
Protein context (NP_078853.2, residues 821-841): PLLCSLKETE[Ser831Asn]LTQRGVIYNL

ClinVar aggregate classification (germline): Conflicting classifications of pathogenicity. Review status: criteria provided, conflicting classifications (1 of 4 stars). 9 submissions from 9 submitters: Uncertain significance (8); Likely benign (1). Last evaluated 2026-08-01.

Conditions:
SH3TC2-related disorder. Also called: SH3TC2-related condition; SH3TC2-related disorders. Identifiers: MedGen CN239303.
Inborn genetic diseases. Identifiers: MedGen C0950123, MeSH D030342.
Susceptibility to mononeuropathy of the median nerve, mild. Also called: CARPAL TUNNEL SYNDROME, SUSCEPTIBILITY TO. Identifiers: MedGen C3150596, MONDO:0013237, OMIM 613353.
Charcot-Marie-Tooth disease type 4C (CMT4C). Also called: CHARCOT-MARIE-TOOTH DISEASE, DEMYELINATING, AUTOSOMAL RECESSIVE, TYPE 4C; CMT 4C; Charcot-Marie-Tooth Neuropathy Type 4C (CMT4C); SH3TC2-Related Hereditary Motor and Sensory Neuropathy; CHARCOT-MARIE-TOOTH DISEASE, DEMYELINATING, TYPE 4C. Identifiers: Orphanet 99949, MedGen C1866636, MONDO:0011113, OMIM 601596.
Charcot-Marie-Tooth disease. Also called: Charcot-Marie-Tooth Hereditary Neuropathy; Charcot-Marie-Tooth Neuropathy. Identifiers: Orphanet 166, MedGen C0007959, MONDO:0015626.
Charcot-Marie-Tooth disease type 4. Also called: Charcot-Marie-Tooth disease, type IV; Charcot-Marie-Tooth, Type 4. Identifiers: Orphanet 64749, MedGen C4082197, MONDO:0018995.

Allele frequency attached by ClinVar (database versions not stated): ExAC 0.00004; gnomAD exomes 0.00004 and 0.00008; TOPMed 0.00004; gnomAD 0.00006; ESP Exome Variant Server 0.00015.
gnomAD v4.1: 143 of 1,614,078 alleles (0.0089%); highest among the groups gnomAD compares: Non-Finnish European, 0.01%; no homozygotes.

Submissions (9):

CeGaT Center for Human Genetics Tuebingen
Classification: Likely benign. Last evaluated: 2026-08-01. Review status: criteria provided, single submitter. Criteria: CeGaT Center For Human Genetics Tuebingen Variant Classification Criteria Version 2. Collection method: clinical testing. Allele origin: germline. Affected: yes. Observed: 1 variant allele.
Comment: SH3TC2: BP4

PreventionGenetics, part of Exact Sciences
Classification: Uncertain significance for SH3TC2-related condition. Last evaluated: 2025-09-22. Review status: criteria provided, single submitter. Criteria: ACMG Guidelines, 2015. Collection method: clinical testing. Allele origin: germline.
Comment: The SH3TC2 c.2492G>A variant is predicted to result in the amino acid substitution p.Ser831Asn. This variant was reported in an individual with Charcot-Marie-Tooth disease and was assessed as variant of uncertain significance (Table S2, Volodarsky et al. 2021. PubMed ID: 32376792). This variant is reported in 0.0086% of alleles in individuals of European (non-Finnish) descent in gnomAD. At this time, the clinical significance of this variant is uncertain due to the absence of conclusive functional and genetic evidence.

Labcorp Genetics (formerly Invitae), Labcorp
Classification: Uncertain significance for Charcot-Marie-Tooth disease type 4. Last evaluated: 2025-01-06. Review status: criteria provided, single submitter. Criteria: Invitae Variant Classification Sherloc (09022015). Collection method: clinical testing. Allele origin: germline.
Comment: This sequence change replaces serine, which is neutral and polar, with asparagine, which is neutral and polar, at codon 831 of the SH3TC2 protein (p.Ser831Asn). This variant is present in population databases (rs375034766, gnomAD 0.007%). This missense change has been observed in individual(s) with clinical features of SH3TC2-related conditions (PMID: 32376792). ClinVar contains an entry for this variant (Variation ID: 476898). Invitae Evidence Modeling of protein sequence and biophysical properties (such as structural, functional, and spatial information, amino acid conservation, physicochemical variation, residue mobility, and thermodynamic stability) indicates that this missense variant is not expected to disrupt SH3TC2 protein function with a negative predictive value of 95%. In summary, the available evidence is currently insufficient to determine the role of this variant in disease. Therefore, it has been classified as a Variant of Uncertain Significance.

Women's Health and Genetics/Laboratory Corporation of America, LabCorp
Classification: Uncertain significance. Last evaluated: 2024-12-26. Review status: criteria provided, single submitter. Criteria: LabCorp Variant Classification Summary - May 2015. Collection method: clinical testing. Allele origin: germline.
Comment: Variant summary: SH3TC2 c.2492G>A (p.Ser831Asn) results in a conservative amino acid change in the encoded protein sequence. Four of five in-silico tools predict a benign effect of the variant on protein function. The variant allele was found at a frequency of 3.6e-05 in 250860 control chromosomes. The available data on variant occurrences in the general population are insufficient to allow any conclusion about variant significance. c.2492G>A has been reported in the literature in individuals affected with Charcot-Marie-Tooth disease and high myopathy (Apellniz-Ruiz_2017, Voldarsky_2021). These reports do not provide unequivocal conclusions about association of the variant with Charcot-Marie-Tooth disease type 4C. To our knowledge, no experimental evidence demonstrating an impact on protein function has been reported. The following publications have been ascertained in the context of this evaluation (PMID: 27582484, 32376792). ClinVar contains an entry for this variant (Variation ID: 476898). Based on the evidence outlined above, the variant was classified as uncertain significance.

Ambry Genetics
Classification: Uncertain significance for Inborn genetic diseases. Last evaluated: 2023-10-02. Review status: criteria provided, single submitter. Criteria: Ambry Variant Classification Scheme 2023. Collection method: clinical testing. Allele origin: germline.

Athena Diagnostics
Classification: Uncertain significance. Last evaluated: 2022-11-21. Review status: criteria provided, single submitter. Criteria: Athena Diagnostics Criteria. Collection method: clinical testing. Allele origin: unknown.
Comment: Available data are insufficient to determine the clinical significance of the variant at this time. The frequency of this variant in the general population is uninformative in assessment of its pathogenicity. Computational tools predict that this variant is not damaging.

Fulgent Genetics
Classification: Uncertain significance for Charcot-Marie-Tooth disease type 4C; Susceptibility to mononeuropathy of the median nerve, mild. Last evaluated: 2022-05-20. Review status: criteria provided, single submitter. Criteria: ACMG Guidelines, 2015. Collection method: clinical testing. Allele origin: unknown.

Mayo Clinic Laboratories, Mayo Clinic
Classification: Uncertain significance. Last evaluated: 2019-07-28. Review status: criteria provided, single submitter. Criteria: ACMG Guidelines, 2015. Collection method: clinical testing. Allele origin: germline. Observed: 1 variant allele.

Molecular Genetics Laboratory, London Health Sciences Centre
Classification: Uncertain significance for Charcot-Marie-Tooth disease. Review status: criteria provided, single submitter. Criteria: ACMG Guidelines, 2015. Collection method: clinical testing. Allele origin: germline. Affected: yes.

Literature cited by the submitters: PubMed 32376792 (cited by 3 submitters); PubMed 27582484 (cited by Women's Health and Genetics/Laboratory Corporation of America, LabCorp).